The following is an entry in ClinVar:

NM_002485.5(NBN):c.720C>T (p.Ser240=)

Gene: NBN (nibrin; minus strand). Cytogenetic location: 8q21.3.
Variant type: single nucleotide variant.
Coding change: c.720C>T on transcript NM_002485.5 (MANE Select); coding-DNA position 720, C replaced by T.
Protein change: p.Ser240=; no amino-acid change (serine 240 retained).
Molecular consequence: synonymous variant.
Genome position (GRCh38, 1-based): chr8:89,970,540, G>A on the plus strand (C>T on the coding strand, the complement: NBN is on the minus strand). VCF-style: chr8-89970540-G-A. GRCh37 (hg19) VCF-style: chr8-90982768-G-A.
Other names: c.474C>T, p.Ser158= (NM_001024688.3).
Identifiers: ClinVar variation 183990 (VCV000183990.28), dbSNP rs781323381, ClinGen allele CA187412.
Genomic context (GRCh38, chr8:89,970,540, plus strand): 5'-ATGTTCTTCTTCATTCTCTTCTGTTATCAACCTAGCTTCCCCACCTCCAAAGACAACTGC[G>A]GAACTCAATTTCTTATGCTAAAAATGGAAGGAAACATTTTTTAAAGTAAAATGTAGTAAT-3'
Protein context (NP_002476.2, residues 230-250): LNAKQHKKLS[Ser240=]AVVFGGGEAR

ClinVar aggregate classification (germline): Likely benign. Review status: criteria provided, multiple submitters, no conflicts (2 of 4 stars). 8 submissions from 8 submitters: Likely benign (6). 2 of the submissions do not count toward it. Last evaluated 2026-01-23.

Conditions:
NBN-related disorder. Also called: NBN-related condition.
Hereditary cancer-predisposing syndrome. Also called: Tumor predisposition; Hereditary Cancer Syndrome; Hereditary neoplastic syndrome; Neoplastic Syndromes, Hereditary. Identifiers: Orphanet 140162, MedGen C0027672, MeSH D009386, MONDO:0015356.
Microcephaly, normal intelligence and immunodeficiency (NBS). Also called: IMMUNODEFICIENCY, MICROCEPHALY, AND CHROMOSOMAL INSTABILITY; SEEMANOVA SYNDROME II; Nijmegen breakage syndrome; Microcephaly with normal intelligence immunodeficiency and lymphoreticular malignancies; Nonsyndromal microcephaly autosomal recessive with normal intelligence; Seemanova syndrome 2. Identifiers: Orphanet 647, MedGen C0398791, MONDO:0009623, OMIM 251260.

Allele frequency attached by ClinVar (database versions not stated): gnomAD 0.00004 and 0.00005; gnomAD exomes 0.00004; TOPMed 0.00005; ExAC 0.00002.
gnomAD v4.1: 79 of 1,613,306 alleles (0.0049%); highest among the groups gnomAD compares: Non-Finnish European, 0.0054%; no homozygotes.

Submissions (8):

Labcorp Genetics (formerly Invitae), Labcorp
Classification: Likely benign for Microcephaly, normal intelligence and immunodeficiency. Last evaluated: 2026-01-23. Review status: criteria provided, single submitter. Criteria: Invitae Variant Classification Sherloc (09022015). Collection method: clinical testing. Allele origin: germline.

Sema4
Classification: Likely benign for Hereditary cancer-predisposing syndrome. Last evaluated: 2021-12-17. Review status: criteria provided, single submitter. Criteria: Sema4 Curation Guidelines. Collection method: curation. Allele origin: germline.

Women's Health and Genetics/Laboratory Corporation of America, LabCorp
Classification: Likely benign. Last evaluated: 2021-05-29. Review status: criteria provided, single submitter. Criteria: LabCorp Variant Classification Summary - May 2015. Collection method: clinical testing. Allele origin: germline.

Quest Diagnostics Nichols Institute San Juan Capistrano
Classification: Likely benign. Last evaluated: 2020-10-30. Review status: criteria provided, single submitter. Criteria: Quest Diagnostics criteria. Collection method: clinical testing. Allele origin: unknown.

GeneDx
Classification: Likely benign. Last evaluated: 2019-05-14. Review status: criteria provided, single submitter. Criteria: GeneDx Variant Classification Process June 2021. Collection method: clinical testing. Allele origin: germline. Affected: yes.

Ambry Genetics
Classification: Likely benign for Hereditary cancer-predisposing syndrome. Last evaluated: 2014-09-29. Review status: criteria provided, single submitter. Criteria: Ambry Variant Classification Scheme 2023. Collection method: clinical testing. Allele origin: germline.

Genetic Services Laboratory, University of Chicago
Classification: Likely benign. Last evaluated: 2022-12-07. Review status: no assertion criteria provided. Collection method: clinical testing. Allele origin: germline. Affected: no. Not counted in ClinVar's aggregate classification.

PreventionGenetics, part of Exact Sciences
Classification: Likely benign for NBN-related condition. Last evaluated: 2019-11-06. Review status: no assertion criteria provided. Collection method: clinical testing. Allele origin: germline. Not counted in ClinVar's aggregate classification.
Comment: This variant is classified as likely benign based on ACMG/AMP sequence variant interpretation guidelines (Richards et al. 2015 PMID: 25741868, with internal and published modifications).

Literature cited by the submitters: PubMed 30287823 (cited by Quest Diagnostics Nichols Institute San Juan Capistrano).